The following is an entry in ClinVar:

ClinVar aggregate classification (germline): Uncertain significance (1 of 4 stars; one submission).

gnomAD v4.1: 1 of 1,612,846 alleles (0.000062%); highest among the groups gnomAD compares: Non-Finnish European, 0.000085%; no homozygotes.

Submission:

Ambry Genetics
Classification: Uncertain significance. Last evaluated: 2025-02-15. Review status: criteria provided, single submitter. Criteria: Ambry Variant Classification Scheme 2023. Collection method: clinical testing. Allele origin: germline.
Comment: The p.D718E variant (also known as c.2154C>G), located in coding exon 4 of the CDK12 gene, results from a C to G substitution at nucleotide position 2154. The aspartic acid at codon 718 is replaced by glutamic acid, an amino acid with highly similar properties. This amino acid position is conserved. In addition, the in silico prediction for this alteration is inconclusive. Based on the available evidence, the clinical significance of this variant remains unclear.

NM_016507.4(CDK12):c.2154C>G (p.Asp718Glu)

Gene: CDK12 (cyclin dependent kinase 12; plus strand). Cytogenetic location: 17q12.
Variant type: single nucleotide variant.
Coding change: c.2154C>G on transcript NM_016507.4 (MANE Select); coding-DNA position 2154, C replaced by G.
Protein change: p.Asp718Glu; replaces aspartic acid 718 with glutamic acid.
Molecular consequence: missense variant.
Genome position (GRCh38, 1-based): chr17:39,492,796, C>G. VCF-style: chr17-39492796-C-G. GRCh37 (hg19) VCF-style: chr17-37649049-C-G.
Other names: c.2154C>G, p.Asp718Glu (NM_015083.4); short protein forms D718E.
Identifiers: ClinVar variation 3830666 (VCV003830666.1).